The following is an entry in ClinVar:

ClinVar aggregate classification (germline): Likely pathogenic (1 of 4 stars; one submission).

Conditions:
Ehlers-Danlos syndrome, classic type, 1 (EDSCL1). Also called: EHLERS-DANLOS SYNDROME, GRAVIS TYPE; EHLERS-DANLOS SYNDROME, SEVERE CLASSIC TYPE; Ehlers-Danlos syndrome, type 1; Ehlers-Danlos Syndrome, Classic Type, COL5A1-Related; EDS I. Identifiers: MedGen C0268335, MONDO:0019567, OMIM 130000.
Osteogenesis imperfecta type I (OI1). Also called: OI, TYPE I; OSTEOGENESIS IMPERFECTA TARDA; OSTEOGENESIS IMPERFECTA WITH BLUE SCLERAE; Osteogenesis imperfecta type 1; Lobstein's Disease; Lobstein disease. Identifiers: Orphanet 216796, Orphanet 666, MedGen C0023931, MONDO:0008146, OMIM 166200. Disease mechanism: loss of function.

Submission:

Labcorp Genetics (formerly Invitae), Labcorp
Classification: Likely pathogenic for Osteogenesis imperfecta type I; Ehlers-Danlos syndrome, classic type, 1. Last evaluated: 2025-11-09. Review status: criteria provided, single submitter. Criteria: Invitae Variant Classification Sherloc (09022015). Collection method: clinical testing. Allele origin: germline.
Comment: This sequence change affects a donor splice site in intron 35 of the COL1A2 gene. It is expected to disrupt RNA splicing. Variants that disrupt the donor or acceptor splice site typically lead to a loss of protein function (PMID: 16199547), and loss-of-function variants in COL1A2 are known to be disease-causing for autosomal recessive COL1A2-related conditions (PMID: 15077201, 11288717). However, certain variants affecting donor or acceptor splice sites in the triple helical domain of COL1A2 are expected to result in in-frame exon skipping and have been reported to cause autosomal dominant COL1A2-related conditions (PMID: 17078022, 9295084). This variant is not present in population databases (gnomAD no frequency). This variant has not been reported in the literature in individuals affected with COL1A2-related conditions. Algorithms developed to predict the effect of sequence changes on RNA splicing suggest that this variant may disrupt the consensus splice site. In summary, the currently available evidence indicates that the variant is pathogenic, but additional data are needed to prove that conclusively. Therefore, this variant has been classified as Likely Pathogenic.

Literature cited by the submitters: PubMed 16199547; PubMed 15077201; PubMed 11288717; PubMed 17078022; PubMed 9295084.

NM_000089.4(COL1A2):c.2133+1G>A

Gene: COL1A2 (collagen type I alpha 2 chain; plus strand). Cytogenetic location: 7q21.3.
Variant type: single nucleotide variant.
Coding change: c.2133+1G>A on transcript NM_000089.4 (MANE Select); the canonical splice donor site of the intron after coding-DNA position 2133, G replaced by A.
Molecular consequence: splice donor variant.
Genome position (GRCh38, 1-based): chr7:94,420,287, G>A. VCF-style: chr7-94420287-G-A. GRCh37 (hg19) VCF-style: chr7-94049599-G-A.
Identifiers: ClinVar variation 4786651 (VCV004786651.1).